The following is an entry in ClinVar:

ClinVar aggregate classification (germline): Uncertain significance (1 of 4 stars; one submission).

Conditions:
Glycogen storage disease type III (GSD3). Also called: FORBES DISEASE; Cori disease. Identifiers: Orphanet 366, MedGen C0017922, MONDO:0009291, OMIM 232400.

gnomAD v4.1: 1 of 1,614,010 alleles (0.000062%); highest among the groups gnomAD compares: African/African-American, 0.0013%; no homozygotes.

Submission:

Labcorp Genetics (formerly Invitae), Labcorp
Classification: Uncertain significance for Glycogen storage disease type III. Last evaluated: 2021-10-03. Review status: criteria provided, single submitter. Criteria: Invitae Variant Classification Sherloc (09022015). Collection method: clinical testing. Allele origin: germline.
Comment: In summary, the available evidence is currently insufficient to determine the role of this variant in disease. Therefore, it has been classified as a Variant of Uncertain Significance. Algorithms developed to predict the effect of missense changes on protein structure and function are either unavailable or do not agree on the potential impact of this missense change (SIFT: "Deleterious"; PolyPhen-2: "Possibly Damaging"; Align-GVGD: "Class C0"). This variant has not been reported in the literature in individuals with AGL-related conditions. This variant is not present in population databases (ExAC no frequency). This sequence change replaces asparagine with tyrosine at codon 1170 of the AGL protein (p.Asn1170Tyr). The asparagine residue is moderately conserved and there is a large physicochemical difference between asparagine and tyrosine.

NM_000642.3(AGL):c.3508A>T (p.Asn1170Tyr)

Gene: AGL (amylo-alpha-1,6-glucosidase and 4-alpha-glucanotransferase; plus strand). Cytogenetic location: 1p21.2.
Variant type: single nucleotide variant.
Coding change: c.3508A>T on transcript NM_000642.3 (MANE Select); coding-DNA position 3508, A replaced by T.
Protein change: p.Asn1170Tyr; replaces asparagine 1170 with tyrosine.
Molecular consequence: missense variant.
Genome position (GRCh38, 1-based): chr1:99,900,781, A>T. VCF-style: chr1-99900781-A-T. GRCh37 (hg19) VCF-style: chr1-100366337-A-T.
Other names: c.3508A>T, p.Asn1170Tyr (NM_000028.3, NM_000643.3, NM_000644.3 and 1 more transcripts); c.3460A>T, p.Asn1154Tyr (NM_000646.3); c.3487A>T, p.Asn1163Tyr (NM_001425326.1); c.3307A>T, p.Asn1103Tyr (NM_001425327.1); c.3304A>T, p.Asn1102Tyr (NM_001425328.1); c.3169A>T, p.Asn1057Tyr (NM_001425329.1); c.3130A>T, p.Asn1044Tyr (NM_001425332.1); short protein forms N1154Y, N1170Y, N1044Y, N1057Y, N1102Y, N1103Y, N1163Y.
Identifiers: ClinVar variation 1431342 (VCV001431342.6), dbSNP rs1236655933, ClinGen allele CA341332112.
Genomic context (GRCh38, chr1:99,900,781, plus strand): 5'-TGTCGGGATGCTGTGTGGTGGTGGCTGCAGTGTATCCAGGATTACTGTAAAATGGTTCCA[A>T]ATGGTCTAGACATTCTCAAGTGCCCAGTTTCCAGAATGTATCCTACAGATGATTCTGCTC-3'
Protein context (NP_000633.2, residues 1160-1180): CIQDYCKMVP[Asn1170Tyr]GLDILKCPVS